The following is an entry in ClinVar:

ClinVar aggregate classification (germline): Likely benign (3 of 4 stars; one submission).

Conditions:
RPGR-related retinopathy. Also called: RPGR retinopathy. Identifiers: MedGen CN305589, MONDO:0100437.

gnomAD v4.1: 3 of 1,211,076 alleles (0.00025%); highest among the groups gnomAD compares: Non-Finnish European, 0.00034%; no homozygotes.

Submission:

ClinGen X-linked Inherited Retinal Disease Variant Curation Expert Panel, ClinGen
Classification: Likely benign for RPGR-related retinopathy. Last evaluated: 2025-08-03. Review status: reviewed by expert panel. Criteria: ClinGen X LinkedIRD ACMG Specifications RPGR V1.0.0. Collection method: curation. Allele origin: germline. Inheritance: X-linked inheritance.
Comment: NM_001034853.2(RPGR):c.1699A>T (p.Ile567Phe) is a missense variant encoding the substitution of isoleucine with phenylalanine at amino acid 567. This variant is present in gnomAD v.4.1.0 at a frequency of 0.000005017 among hemizygous individuals, with 2 variant alleles / 398,644 total hemizygous alleles, which is higher than the ClinGen X-linked IRD VCEP BS1 threshold of >0.000005 (BS1). The computational predictor REVEL gives a score of 0.132, which is below the ClinGen X-linked IRD VCEP threshold of < 0.183 and predicts a non-damaging effect on RPGR function. Additionally, the splicing impact predictor SpliceAI gives a delta score of 0.00, which is below the ClinGen X-linked IRD VCEP recommended threshold of <0.1 and does not strongly predict an impact on splicing (BP4_Moderate). This variant has been reported in at least 1 proband meeting one of the PS4 requirements of some functional vision impairment in affected males by age 30 years and/or decreased or absent electroretinogram responses (PMID: 23150612). However, PS4_Supporting requires at least 2 unrelated probands, so this criterion was not met. In summary, this variant is classified as likely benign for RPGR-related retinopathy based on the ClinGen X-linked Inherited Retinal Disease Expert Panel Specifications to the ACMG/AMP Variant Interpretation Guidelines for RPGR Version 1.0.0; BS1 and BP4_Moderate. (date of approval 05/16/2025).

NM_001034853.2(RPGR):c.1699A>T (p.Ile567Phe)

Gene: RPGR (retinitis pigmentosa GTPase regulator; minus strand). Cytogenetic location: Xp11.4.
Variant type: single nucleotide variant.
Coding change: c.1699A>T on transcript NM_001034853.2 (MANE Select); coding-DNA position 1699, A replaced by T.
Protein change: p.Ile567Phe; replaces isoleucine 567 with phenylalanine.
Molecular consequence: missense variant. On other transcripts: non-coding transcript variant (1), intron variant (5).
Genome position (GRCh38, 1-based): chrX:38,287,915, T>A on the plus strand (A>T on the coding strand, the complement: RPGR is on the minus strand). VCF-style: chrX-38287915-T-A. GRCh37 (hg19) VCF-style: chrX-38147168-T-A.
Other names: NM_001034853.2:c.1699A>T; c.1699A>T, p.Ile567Phe (NM_000328.3); c.1696A>T, p.Ile566Phe (NM_001367245.1); c.1513A>T, p.Ile505Phe (NM_001367246.1); c.1569+3044A>T (NM_001367249.1, NM_001367250.1); c.1386+3044A>T (NM_001367251.1); c.1572+3044A>T (NM_001367247.1); c.1602+3044A>T (NM_001367248.1); short protein forms I505F, I566F, I567F.
Identifiers: ClinVar variation 4072387 (VCV004072387.1).
Genomic context (GRCh38, chrX:38,287,915, plus strand): 5'-CATTACCTACTTCCTCATCTGAAAATGCTTCGATAGTCGTAGCTGGCTGCGTCATGAAAA[T>A]CCCTTGTGACACATGTTGTTTACATGCTTTCCCTTCTTTCATTTCTGACATTTCTTCATA-3'
Protein context (NP_001030025.1, residues 557-577): KACKQHVSQG[Ile567Phe]FMTQPATTIE